The following is an entry in ClinVar:

ClinVar aggregate classification (germline): Uncertain significance (1 of 4 stars; one submission).

Conditions:
Frontotemporal dementia (FTD1). Also called: MULTIPLE SYSTEM TAUOPATHY WITH PRESENILE DEMENTIA; WILHELMSEN-LYNCH DISEASE; Dementia, frontotemporal, with or without parkinsonism; FRONTOTEMPORAL LOBAR DEGENERATION WITH TAU INCLUSIONS; FTLD WITH TAU INCLUSIONS; Frontotemporal Dementia with Parkinsonism-17 (FTDP-17). Identifiers: Orphanet 282, MedGen C0338451, MONDO:0017276, OMIM 600274, HP:0002145.

Submission:

Labcorp Genetics (formerly Invitae), Labcorp
Classification: Uncertain significance for Frontotemporal dementia. Last evaluated: 2024-07-17. Review status: criteria provided, single submitter. Criteria: Invitae Variant Classification Sherloc (09022015). Collection method: clinical testing. Allele origin: germline.
Comment: This sequence change replaces alanine, which is neutral and non-polar, with proline, which is neutral and non-polar, at codon 90 of the MAPT protein (p.Ala90Pro). This variant is not present in population databases (gnomAD no frequency). This variant has not been reported in the literature in individuals affected with MAPT-related conditions. An algorithm developed to predict the effect of missense changes on protein structure and function (PolyPhen-2) suggests that this variant is likely to be disruptive. In summary, the available evidence is currently insufficient to determine the role of this variant in disease. Therefore, it has been classified as a Variant of Uncertain Significance.

NM_001377265.1(MAPT):c.220+2487G>C

Gene: MAPT (microtubule associated protein tau). Cytogenetic location: 17q21.31.
Variant type: single nucleotide variant.
Coding change: c.220+2487G>C on transcript NM_001377265.1 (MANE Select); 2487 bases into the intron after coding-DNA position 220, G replaced by C.
Molecular consequence: intron variant. On other transcripts: missense variant (4).
Genome position (GRCh38, 1-based): chr17:45,974,432, G>C. VCF-style: chr17-45974432-G-C. GRCh37 (hg19) VCF-style: chr17-44051798-G-C.
Other names: c.268G>C, p.Ala90Pro (NM_001123066.4, NM_001203252.2, NM_005910.6 and 1 more transcripts); c.134-3943G>C (NM_001377268.1, NM_016834.5, NM_016841.5); c.220+2487G>C (NM_001377266.1, NM_001123067.4, NM_001203251.2 and 1 more transcripts); short protein forms A90P.
Identifiers: ClinVar variation 3658907 (VCV003658907.2).
Genomic context (GRCh38, chr17:45,974,432, plus strand): 5'-CGGTGGTTTCTAGATGTGACAGCACCCTTAGTGGATGAGGGAGCTCCCGGCAAGCAGGCT[G>C]CCGCGCAGCCCCACACGGAGATCCCAGAAGGAACCACAGGTGAGGGTAAGCCCCAGAGAC-3'